The following is an entry in ClinVar:

NM_000282.4(PCCA):c.1898T>G (p.Val633Gly)

Gene: PCCA (propionyl-CoA carboxylase subunit alpha; plus strand). Cytogenetic location: 13q32.3.
Variant type: single nucleotide variant.
Coding change: c.1898T>G on transcript NM_000282.4 (MANE Select); coding-DNA position 1898, T replaced by G.
Protein change: p.Val633Gly; replaces valine 633 with glycine.
Molecular consequence: missense variant. On other transcripts: non-coding transcript variant (5), intron variant (2).
Genome position (GRCh38, 1-based): chr13:100,449,304, T>G. VCF-style: chr13-100449304-T-G. GRCh37 (hg19) VCF-style: chr13-101101558-T-G.
Other names: p.Val633Gly; c.1820T>G, p.Val607Gly (NM_001127692.3, NM_001352607.2); c.1898T>G, p.Val633Gly (NM_001178004.2, NM_001352609.2); c.1754T>G, p.Val585Gly (NM_001352606.2); c.1676T>G, p.Val559Gly (NM_001352608.2); c.953T>G, p.Val318Gly (NM_001352610.2); c.809T>G, p.Val270Gly (NM_001352612.2); c.1845+23573T>G (NM_001352605.2); and 1 more; short protein forms V270G, V318G, V559G, V585G, V607G, V633G.
Identifiers: ClinVar variation 1207997 (VCV001207997.11), dbSNP rs375617644, ClinGen allele CA7033821.
Genomic context (GRCh38, chr13:100,449,304, plus strand): 5'-TTTTTTAGTGTCTTTCTCGAGAAGCAGGTGGAAACATGAGCATTCAGTTTCTTGGTACAG[T>G]GGTAAGTATGAAATCATTCTTTATTCTCTTAATTTACAGAGAAAAAATGTTCAACTAGTT-3'
Protein context (NP_000273.2, residues 623-643): GNMSIQFLGT[Val633Gly]YKVNILTRLA

ClinVar aggregate classification (germline): Uncertain significance. Review status: criteria provided, multiple submitters, no conflicts (2 of 4 stars). 6 submissions from 6 submitters: Uncertain significance (5). 1 of the submissions does not count toward it. Last evaluated 2025-09-26.

Conditions:
Propionic acidemia (PROP). Also called: GLYCINEMIA, KETOTIC; HYPERGLYCINEMIA WITH KETOACIDOSIS AND LEUKOPENIA; KETOTIC HYPERGLYCINEMIA. Identifiers: Orphanet 35, MedGen C0268579, MONDO:0011628, OMIM 606054, HP:0003571.
Inborn genetic diseases. Identifiers: MedGen C0950123, MeSH D030342.

Allele frequency attached by ClinVar (database versions not stated): 1000 Genomes Project 30x 0.00031.
gnomAD v4.1: 43 of 1,508,564 alleles (0.0029%); highest among the groups gnomAD compares: African/African-American, 0.059%; no homozygotes.

Submissions (7):

Mayo Clinic Laboratories, Mayo Clinic
Classification: Uncertain significance. Last evaluated: 2025-09-26. Review status: criteria provided, single submitter. Criteria: ACMG Guidelines, 2015. Collection method: clinical testing. Allele origin: germline. Observed: 1 variant allele.

Ambry Genetics
Classification: Uncertain significance for Inborn genetic diseases. Last evaluated: 2024-09-30. Review status: criteria provided, single submitter. Criteria: Ambry Variant Classification Scheme 2023. Collection method: clinical testing. Allele origin: germline.

Labcorp Genetics (formerly Invitae), Labcorp
Classification: Uncertain significance for Propionic acidemia. Last evaluated: 2022-10-13. Review status: criteria provided, single submitter. Criteria: Invitae Variant Classification Sherloc (09022015). Collection method: clinical testing. Allele origin: germline.
Comment: This sequence change replaces valine, which is neutral and non-polar, with glycine, which is neutral and non-polar, at codon 633 of the PCCA protein (p.Val633Gly). This variant is present in population databases (rs375617644, gnomAD 0.06%). This variant has not been reported in the literature in individuals affected with PCCA-related conditions. ClinVar contains an entry for this variant (Variation ID: 1207997). Algorithms developed to predict the effect of missense changes on protein structure and function (SIFT, PolyPhen-2, Align-GVGD) all suggest that this variant is likely to be tolerated. In summary, the available evidence is currently insufficient to determine the role of this variant in disease. Therefore, it has been classified as a Variant of Uncertain Significance.

GeneDx
Classification: Uncertain significance. Last evaluated: 2021-02-10. Review status: criteria provided, single submitter. Criteria: GeneDx Variant Classification Process June 2021. Collection method: clinical testing. Allele origin: germline. Affected: yes.
Comment: In silico analysis, which includes splice predictors and evolutionary conservation, suggests this variant may impact gene splicing. In the absence of RNA/functional studies, the actual effect of this sequence change is unknown.

Breakthrough Genomics
Classification: Uncertain significance. Review status: criteria provided, single submitter. Criteria: ACMG Guidelines, 2015. Collection method: not provided. Allele origin: germline. Inheritance: Autosomal recessive inheritance. Affected: yes.

Natera, Inc.
Classification: Uncertain significance for Propionic acidemia. Last evaluated: 2020-03-04. Review status: no assertion criteria provided. Collection method: clinical testing. Allele origin: germline. Not counted in ClinVar's aggregate classification.

Dr. Peter K. Rogan Lab, Western University
No classification provided (evidence only). Condition: Uterine corpus endometrial carcinoma. Review status: no classification provided. Collection method: in vitro. Allele origin: not applicable. Functional consequence: retained intron. Not counted in ClinVar's aggregate classification.